The following is an entry in ClinVar:

ClinVar aggregate classification (germline): Uncertain significance (1 of 4 stars; one submission).

Conditions:
Joubert syndrome. Also called: CEREBELLOPARENCHYMAL DISORDER IV; JOUBERT-BOLTSHAUSER SYNDROME; Familial aplasia of the vermis. Identifiers: Orphanet 475, MedGen C5979921, MONDO:0018772.
Meckel-Gruber syndrome. Also called: DYSENCEPHALIA SPLANCHNOCYSTICA; GRUBER SYNDROME; Dysencephalia splachnocystica. Identifiers: Orphanet 564, MedGen C0265215, MONDO:0018921.

Submission:

Labcorp Genetics (formerly Invitae), Labcorp
Classification: Uncertain significance for Joubert syndrome; Meckel-Gruber syndrome. Last evaluated: 2021-08-03. Review status: criteria provided, single submitter. Criteria: Invitae Variant Classification Sherloc (09022015). Collection method: clinical testing. Allele origin: germline.
Comment: This variant has not been reported in the literature in individuals affected with TCTN1-related conditions. In summary, the available evidence is currently insufficient to determine the role of this variant in disease. Therefore, it has been classified as a Variant of Uncertain Significance. Algorithms developed to predict the effect of missense changes on protein structure and function (SIFT, PolyPhen-2, Align-GVGD) all suggest that this variant is likely to be tolerated. This variant is not present in population databases (ExAC no frequency). This sequence change replaces valine with leucine at codon 563 of the TCTN1 protein (p.Val563Leu). The valine residue is highly conserved and there is a small physicochemical difference between valine and leucine.

NM_001082538.3(TCTN1):c.1687G>T (p.Val563Leu)

Gene: TCTN1 (tectonic family member 1; plus strand). Cytogenetic location: 12q24.11.
Variant type: single nucleotide variant.
Coding change: c.1687G>T on transcript NM_001082538.3 (MANE Select); coding-DNA position 1687, G replaced by T.
Protein change: p.Val563Leu; replaces valine 563 with leucine.
Molecular consequence: missense variant. On other transcripts: non-coding transcript variant (1).
Genome position (GRCh38, 1-based): chr12:110,647,800, G>T. VCF-style: chr12-110647800-G-T. GRCh37 (hg19) VCF-style: chr12-111085605-G-T.
Other names: c.1672G>T, p.Val558Leu (NM_001082537.3); c.1504G>T, p.Val502Leu (NM_001173975.3); c.1360G>T, p.Val454Leu (NM_001173976.2); c.1525G>T, p.Val509Leu (NM_001319680.2); c.1138G>T, p.Val380Leu (NM_001319681.2); c.1630G>T, p.Val544Leu (NM_024549.6); short protein forms V563L, V380L, V509L, V544L, V454L, V502L, V558L.
Identifiers: ClinVar variation 1409159 (VCV001409159.6), dbSNP rs1593399731, ClinGen allele CA386695854.